The following is an entry in ClinVar:

NM_002691.4(POLD1):c.971G>A (p.Gly324Asp)

Gene: POLD1 (DNA polymerase delta 1, catalytic subunit; plus strand). Cytogenetic location: 19q13.33.
Variant type: single nucleotide variant.
Coding change: c.971G>A on transcript NM_002691.4 (MANE Select); coding-DNA position 971, G replaced by A.
Protein change: p.Gly324Asp; replaces glycine 324 with aspartic acid.
Molecular consequence: missense variant. On other transcripts: non-coding transcript variant (1).
Genome position (GRCh38, 1-based): chr19:50,403,053, G>A. VCF-style: chr19-50403053-G-A. GRCh37 (hg19) VCF-style: chr19-50906310-G-A.
Other names: c.971G>A, p.Gly324Asp (NM_001256849.1, NM_001308632.1); short protein forms G324D.
Identifiers: ClinVar variation 971739 (VCV000971739.11), dbSNP rs1388338405, ClinGen allele CA406977666.

ClinVar aggregate classification (germline): Uncertain significance. Review status: criteria provided, multiple submitters, no conflicts (2 of 4 stars). 2 submissions from 2 submitters: Uncertain significance (2). Last evaluated 2025-04-11.

Conditions:
POLD1-related polyposis and colorectal cancer syndrome (CRCS10). Also called: Colorectal cancer 10; COLORECTAL CANCER, SUSCEPTIBILITY TO, ON CHROMOSOME 19q; Colorectal cancer, susceptibility to, 10. Identifiers: Orphanet 220460, MedGen C2675481, MONDO:0012953, OMIM 612591.
Hereditary cancer-predisposing syndrome. Also called: Tumor predisposition; Hereditary Cancer Syndrome; Hereditary neoplastic syndrome; Neoplastic Syndromes, Hereditary. Identifiers: Orphanet 140162, MedGen C0027672, MeSH D009386, MONDO:0015356.

Allele frequency attached by ClinVar (database versions not stated): TOPMed 0.00003; gnomAD 0.00001; gnomAD exomes 0.00001.
gnomAD v4.1: 7 of 1,556,818 alleles (0.00045%); highest among the groups gnomAD compares: Admixed American, 0.0058%; no homozygotes.

Submissions (2):

Ambry Genetics
Classification: Uncertain significance for Hereditary cancer-predisposing syndrome. Last evaluated: 2025-04-11. Review status: criteria provided, single submitter. Criteria: Ambry Variant Classification Scheme 2023. Collection method: clinical testing. Allele origin: germline.
Comment: The p.G324D variant (also known as c.971G>A) is located in coding exon 8 of the POLD1 gene. The glycine at codon 324 is replaced by aspartic acid, an amino acid with similar properties. This change occurs in the first base pair of coding exon 8. This amino acid position is conserved. In addition, the in silico prediction for this alteration is inconclusive. Since supporting evidence is limited at this time, the clinical significance of this alteration remains unclear.

Labcorp Genetics (formerly Invitae), Labcorp
Classification: Uncertain significance for POLD1-related polyposis and colorectal cancer syndrome. Last evaluated: 2024-08-31. Review status: criteria provided, single submitter. Criteria: Invitae Variant Classification Sherloc (09022015). Collection method: clinical testing. Allele origin: germline.
Comment: This sequence change replaces glycine, which is neutral and non-polar, with aspartic acid, which is acidic and polar, at codon 324 of the POLD1 protein (p.Gly324Asp). The frequency data for this variant in the population databases is considered unreliable, as metrics indicate poor data quality at this position in the gnomAD database. This variant has not been reported in the literature in individuals affected with POLD1-related conditions. ClinVar contains an entry for this variant (Variation ID: 971739). An algorithm developed to predict the effect of missense changes on protein structure and function (PolyPhen-2) suggests that this variant is likely to be disruptive. In summary, the available evidence is currently insufficient to determine the role of this variant in disease. Therefore, it has been classified as a Variant of Uncertain Significance.